The following is an entry in ClinVar:

ClinVar aggregate classification (germline): Uncertain significance (1 of 4 stars; one submission).

Conditions:
Oligodontia-cancer predisposition syndrome. Also called: TOOTH AGENESIS-COLORECTAL CANCER SYNDROME. Identifiers: Orphanet 300576, MedGen C1837750, MONDO:0012075, OMIM 608615. Disease mechanism: loss of function.

Submission:

Labcorp Genetics (formerly Invitae), Labcorp
Classification: Uncertain significance for Oligodontia-cancer predisposition syndrome. Last evaluated: 2021-05-27. Review status: criteria provided, single submitter. Criteria: Invitae Variant Classification Sherloc (09022015). Collection method: clinical testing. Allele origin: germline.
Comment: In summary, the available evidence is currently insufficient to determine the role of this variant in disease. Therefore, it has been classified as a Variant of Uncertain Significance. Algorithms developed to predict the effect of missense changes on protein structure and function (SIFT, PolyPhen-2, Align-GVGD) all suggest that this variant is likely to be disruptive, but these predictions have not been confirmed by published functional studies and their clinical significance is uncertain. This variant has not been reported in the literature in individuals with AXIN2-related conditions. This variant is not present in population databases (ExAC no frequency). This sequence change replaces phenylalanine with serine at codon 791 of the AXIN2 protein (p.Phe791Ser). The phenylalanine residue is highly conserved and there is a large physicochemical difference between phenylalanine and serine.

NM_004655.4(AXIN2):c.2372T>C (p.Phe791Ser)

Gene: AXIN2 (axin 2; minus strand). Cytogenetic location: 17q24.1.
Variant type: single nucleotide variant.
Coding change: c.2372T>C on transcript NM_004655.4 (MANE Select); coding-DNA position 2372, T replaced by C.
Protein change: p.Phe791Ser; replaces phenylalanine 791 with serine.
Molecular consequence: missense variant.
Genome position (GRCh38, 1-based): chr17:65,533,945, A>G on the plus strand (T>C on the coding strand, the complement: AXIN2 is on the minus strand). VCF-style: chr17-65533945-A-G. GRCh37 (hg19) VCF-style: chr17-63530063-A-G.
Other names: c.2177T>C, p.Phe726Ser (NM_001363813.1); short protein forms F726S, F791S.
Identifiers: ClinVar variation 1493953 (VCV001493953.8), dbSNP rs2144418527, ClinGen allele CA400675391.